The following is an entry in ClinVar:

NM_005762.3(TRIM28):c.58CCGGGC[1] (p.20PG[1])

Genes: TRIM28 (tripartite motif containing 28; plus strand), LOC130065239 (ATAC-STARR-seq lymphoblastoid silent region 11093; plus strand). Cytogenetic location: 19q13.43.
Variant type: Microsatellite.
Coding change: c.58CCGGGC[1] on transcript NM_005762.3 (MANE Select); one copy of the 6-base unit CCGGGC starting at c.58; the reference has two copies in a row; one copy, 6 bases deleted.
Protein change: p.20PG[1].
Genome position (GRCh38, 1-based): chr19:58,544,821-58,544,826, CCGGGC deleted; deleting any 6 consecutive bases within chr19:58,544,813-58,544,826 gives the same sequence; the position shown is the placement nearest the transcript's 3' end. VCF-style (leftmost placement, unchanged base first): chr19-58544812-AGCCCGG-A. GRCh37 (hg19) VCF-style: chr19-59056179-AGCCCGG-A.
Identifiers: ClinVar variation 3638924 (VCV003638924.2).

ClinVar aggregate classification (germline): Uncertain significance (1 of 4 stars; one submission).

Submission:

Labcorp Genetics (formerly Invitae), Labcorp
Classification: Uncertain significance. Last evaluated: 2024-02-24. Review status: criteria provided, single submitter. Criteria: Invitae Variant Classification Sherloc (09022015). Collection method: clinical testing. Allele origin: germline.
Comment: This variant, c.64_69del, results in the deletion of 2 amino acid(s) of the TRIM28 protein (p.Pro22_Gly23del), but otherwise preserves the integrity of the reading frame. The frequency data for this variant in the population databases is considered unreliable, as metrics indicate insufficient coverage at this position in the gnomAD database. This variant has not been reported in the literature in individuals affected with TRIM28-related conditions. Experimental studies and prediction algorithms are not available or were not evaluated, and the functional significance of this variant is currently unknown. In summary, the available evidence is currently insufficient to determine the role of this variant in disease. Therefore, it has been classified as a Variant of Uncertain Significance.